The following is an entry in ClinVar:

NM_012330.4(KAT6B):c.3381T>G (p.Phe1127Leu)

Gene: KAT6B (lysine acetyltransferase 6B; plus strand). Cytogenetic location: 10q22.2.
Variant type: single nucleotide variant.
Coding change: c.3381T>G on transcript NM_012330.4 (MANE Select); coding-DNA position 3381, T replaced by G.
Protein change: p.Phe1127Leu; replaces phenylalanine 1127 with leucine.
Molecular consequence: missense variant.
Genome position (GRCh38, 1-based): chr10:75,024,966, T>G. VCF-style: chr10-75024966-T-G. GRCh37 (hg19) VCF-style: chr10-76784724-T-G.
Other names: c.2505T>G, p.Phe835Leu (NM_001370139.1, NM_001370140.1, NM_001370141.1 and 2 more transcripts); c.2316T>G, p.Phe772Leu (NM_001370143.1, NM_001370144.1); c.2832T>G, p.Phe944Leu (NM_001256468.2, NM_001370138.1); c.2343T>G, p.Phe781Leu (NM_001370132.1); c.1692T>G, p.Phe564Leu (NM_001370133.1); c.1296T>G, p.Phe432Leu (NM_001370134.1); c.1038T>G, p.Phe346Leu (NM_001370135.1); c.3381T>G, p.Phe1127Leu (NM_001370136.1, NM_001370137.1); short protein forms F1127L, F432L, F564L, F346L, F781L, F772L, F944L, F835L.
Identifiers: ClinVar variation 2700177 (VCV002700177.3), dbSNP rs370323472, ClinGen allele CA377286943.

ClinVar aggregate classification (germline): Uncertain significance (1 of 4 stars; one submission).

Conditions:
Genitopatellar syndrome (GTPTS). Also called: Genitopatellar syndrome (GPS); ABSENT PATELLAE, SCROTAL HYPOPLASIA, RENAL ANOMALIES, FACIAL DYSMORPHISM, AND MENTAL RETARDATION. Identifiers: Orphanet 85201, MedGen C1853566, MONDO:0011640, OMIM 606170.

Submission:

Labcorp Genetics (formerly Invitae), Labcorp
Classification: Uncertain significance for Genitopatellar syndrome. Last evaluated: 2023-12-05. Review status: criteria provided, single submitter. Criteria: Invitae Variant Classification Sherloc (09022015). Collection method: clinical testing. Allele origin: germline.
Comment: This sequence change replaces phenylalanine, which is neutral and non-polar, with leucine, which is neutral and non-polar, at codon 1127 of the KAT6B protein (p.Phe1127Leu). This variant is not present in population databases (gnomAD no frequency). This variant has not been reported in the literature in individuals affected with KAT6B-related conditions. Advanced modeling of protein sequence and biophysical properties (such as structural, functional, and spatial information, amino acid conservation, physicochemical variation, residue mobility, and thermodynamic stability) performed at Invitae indicates that this missense variant is not expected to disrupt KAT6B protein function with a negative predictive value of 80%. In summary, the available evidence is currently insufficient to determine the role of this variant in disease. Therefore, it has been classified as a Variant of Uncertain Significance.